The following is an entry in ClinVar:

ClinVar aggregate classification (germline): Uncertain significance. Review status: criteria provided, multiple submitters, no conflicts (2 of 4 stars). 3 submissions from 3 submitters: Uncertain significance (3). Last evaluated 2024-01-23.

Allele frequency attached by ClinVar (database versions not stated): gnomAD exomes 0.00002 and 0.00003; ExAC 0.00003; gnomAD 0.00008 and 0.00009; TOPMed 0.00010; 1000 Genomes Project 0.00020; 1000 Genomes Project 30x 0.00031.
gnomAD v4.1: 51 of 1,614,122 alleles (0.0032%); highest among the groups gnomAD compares: African/African-American, 0.033%; no homozygotes.

Submissions (3):

GeneDx
Classification: Uncertain significance. Last evaluated: 2024-01-23. Review status: criteria provided, single submitter. Criteria: GeneDx Variant Classification Process June 2021. Collection method: clinical testing. Allele origin: germline. Affected: yes.
Comment: In silico analysis supports that this missense variant has a deleterious effect on protein structure/function; Has not been previously published as pathogenic or benign to our knowledge

Labcorp Genetics (formerly Invitae), Labcorp
Classification: Uncertain significance. Last evaluated: 2022-07-12. Review status: criteria provided, single submitter. Criteria: Invitae Variant Classification Sherloc (09022015). Collection method: clinical testing. Allele origin: germline.
Comment: This sequence change replaces arginine, which is basic and polar, with cysteine, which is neutral and slightly polar, at codon 2820 of the SZT2 protein (p.Arg2820Cys). This variant is present in population databases (rs543404828, gnomAD 0.04%). This variant has not been reported in the literature in individuals affected with SZT2-related conditions. ClinVar contains an entry for this variant (Variation ID: 1417192). Algorithms developed to predict the effect of missense changes on protein structure and function are either unavailable or do not agree on the potential impact of this missense change (SIFT: "Tolerated"; PolyPhen-2: "Probably Damaging"; Align-GVGD: "Class C15"). In summary, the available evidence is currently insufficient to determine the role of this variant in disease. Therefore, it has been classified as a Variant of Uncertain Significance.

Blueprint Genetics
Classification: Uncertain significance. Last evaluated: 2017-10-09. Review status: criteria provided, single submitter. Criteria: ACMG Guidelines, 2015. Collection method: clinical testing. Allele origin: germline.

NM_001365999.1(SZT2):c.8629C>T (p.Arg2877Cys)

Gene: SZT2 (SZT2 subunit of KICSTOR complex; plus strand). Cytogenetic location: 1p34.2.
Variant type: single nucleotide variant.
Coding change: c.8629C>T on transcript NM_001365999.1 (MANE Select); coding-DNA position 8629, C replaced by T.
Protein change: p.Arg2877Cys; replaces arginine 2877 with cysteine.
Molecular consequence: missense variant.
Genome position (GRCh38, 1-based): chr1:43,443,600, C>T. VCF-style: chr1-43443600-C-T. GRCh37 (hg19) VCF-style: chr1-43909271-C-T.
Other names: c.8458C>T, p.Arg2820Cys (NM_015284.4); c.8458C>T (NM_015284.3); short protein forms R2820C, R2877C.
Identifiers: ClinVar variation 1417192 (VCV001417192.7), dbSNP rs543404828, ClinGen allele CA810640.